The following is an entry in ClinVar:

NM_003482.4(KMT2D):c.3179A>G (p.Lys1060Arg)

Gene: KMT2D (lysine methyltransferase 2D; minus strand). Cytogenetic location: 12q13.12.
Variant type: single nucleotide variant.
Coding change: c.3179A>G on transcript NM_003482.4 (MANE Select); coding-DNA position 3179, A replaced by G.
Protein change: p.Lys1060Arg; replaces lysine 1060 with arginine.
Molecular consequence: missense variant.
Genome position (GRCh38, 1-based): chr12:49,050,409, T>C on the plus strand (A>G on the coding strand, the complement: KMT2D is on the minus strand). VCF-style: chr12-49050409-T-C. GRCh37 (hg19) VCF-style: chr12-49444192-T-C.
Other names: short protein forms K1060R.
Identifiers: ClinVar variation 4532452 (VCV004532452.1).

ClinVar aggregate classification (germline): Uncertain significance (1 of 4 stars; one submission).

gnomAD v4.1: 1 of 1,613,620 alleles (0.000062%); no homozygotes.

Submission:

GeneDx
Classification: Uncertain significance. Last evaluated: 2025-05-27. Review status: criteria provided, single submitter. Criteria: GeneDx Variant Classification Process June 2021. Collection method: clinical testing. Allele origin: germline. Affected: yes.
Comment: Not observed at significant frequency in large population cohorts (gnomAD); In silico analysis suggests that this missense variant does not alter protein structure/function; Has not been previously published as pathogenic or benign to our knowledge